The following is an entry in ClinVar:

ClinVar aggregate classification (germline): Uncertain significance (1 of 4 stars; one submission).

gnomAD v4.1: 1 of 1,612,182 alleles (0.000062%); highest among the groups gnomAD compares: East Asian, 0.0022%; no homozygotes.

Submission:

Ambry Genetics
Classification: Uncertain significance. Last evaluated: 2021-09-02. Review status: criteria provided, single submitter. Criteria: Ambry Variant Classification Scheme 2023. Collection method: clinical testing. Allele origin: germline.
Comment: The p.C49Y variant (also known as c.146G>A), located in coding exon 2 of the RECQL gene, results from a G to A substitution at nucleotide position 146. The cysteine at codon 49 is replaced by tyrosine, an amino acid with highly dissimilar properties. This amino acid position is conserved. In addition, this alteration is predicted to be tolerated by in silico analysis. Since supporting evidence is limited at this time, the clinical significance of this alteration remains unclear.

NM_002907.4(RECQL):c.146G>A (p.Cys49Tyr)

Gene: RECQL (RecQ like helicase; minus strand). Cytogenetic location: 12p12.1.
Variant type: single nucleotide variant.
Coding change: c.146G>A on transcript NM_002907.4 (MANE Select); coding-DNA position 146, G replaced by A.
Protein change: p.Cys49Tyr; replaces cysteine 49 with tyrosine.
Molecular consequence: missense variant.
Genome position (GRCh38, 1-based): chr12:21,491,587, C>T on the plus strand (G>A on the coding strand, the complement: RECQL is on the minus strand). VCF-style: chr12-21491587-C-T. GRCh37 (hg19) VCF-style: chr12-21644521-C-T.
Other names: c.146G>A, p.Cys49Tyr (NM_032941.3); short protein forms C49Y.
Identifiers: ClinVar variation 1773334 (VCV001773334.2), dbSNP rs1352907591, ClinGen allele CA384134404.